The following is an entry in ClinVar:

NM_001174147.2(LMX1B):c.741+3G>C

Gene: LMX1B (LIM homeobox transcription factor 1 beta; plus strand). Cytogenetic location: 9q33.3.
Variant type: single nucleotide variant.
Coding change: c.741+3G>C on transcript NM_001174147.2 (MANE Select); 3 bases into the intron after coding-DNA position 741, G replaced by C.
Molecular consequence: intron variant.
Genome position (GRCh38, 1-based): chr9:126,693,326, G>C. VCF-style: chr9-126693326-G-C. GRCh37 (hg19) VCF-style: chr9-129455605-G-C.
Other names: c.741+3G>C (NM_001174146.2, NM_002316.4).
Identifiers: ClinVar variation 3373650 (VCV003373650.1).
Genomic context (GRCh38, chr9:126,693,326, plus strand): 5'-GCAGCAGCGAAGAGCCTTCAAGGCCTCCTTCGAGGTCTCGTCGAAGCCTTGCCGAAAGGT[G>C]AGGGGCGGCCGGGGGGCGGGGCTCAGGCTGATGCCCGCACACCCACTGCCTTTCTGGAGA-3'

ClinVar aggregate classification (germline): Uncertain significance (1 of 4 stars; one submission).

Submission:

GeneDx
Classification: Uncertain significance. Last evaluated: 2024-03-08. Review status: criteria provided, single submitter. Criteria: GeneDx Variant Classification Process June 2021. Collection method: clinical testing. Allele origin: germline. Affected: yes.
Comment: Not observed at significant frequency in large population cohorts (gnomAD); Has not been previously published as pathogenic or benign to our knowledge; In silico analysis suggests this variant may impact gene splicing. In the absence of RNA/functional studies, the actual effect of this sequence change is unknown.